The following is an entry in ClinVar:

NM_005585.5(SMAD6):c.817+1G>T

Gene: SMAD6 (SMAD family member 6; plus strand). Cytogenetic location: 15q22.31.
Variant type: single nucleotide variant.
Coding change: c.817+1G>T on transcript NM_005585.5 (MANE Select); the canonical splice donor site of the intron after coding-DNA position 817, G replaced by T.
Molecular consequence: splice donor variant.
Genome position (GRCh38, 1-based): chr15:66,704,076, G>T. VCF-style: chr15-66704076-G-T. GRCh37 (hg19) VCF-style: chr15-66996414-G-T.
Identifiers: ClinVar variation 2502677 (VCV002502677.2), dbSNP rs1893053480, ClinGen allele CA392950316.

ClinVar aggregate classification (germline): Conflicting classifications of pathogenicity. Review status: criteria provided, conflicting classifications (1 of 4 stars). 2 submissions from 2 submitters: Pathogenic (1); Uncertain significance (1). Last evaluated 2025-03-19.

Conditions:
Radioulnar synostosis, nonsyndromic, susceptibility to. Identifiers: MedGen C5241445, MONDO:0100183, OMIM 179300.

gnomAD v4.1: 2 of 1,478,936 alleles (0.00014%); highest among the groups gnomAD compares: Non-Finnish European, 0.00018%; no homozygotes.

Submissions (2):

Clinical Genetics Laboratory, University Hospital Schleswig-Holstein
Classification: Pathogenic for Radioulnar synostosis, nonsyndromic, susceptibility to. Last evaluated: 2025-03-19. Review status: criteria provided, single submitter. Criteria: ACMG Guidelines, 2015. Collection method: clinical testing. Allele origin: germline. Affected: yes. Observed: 1 heterozygote.
Comment: ACMG criteria applied: PM2, PVS1, PP4

GeneDx
Classification: Uncertain significance. Last evaluated: 2022-11-16. Review status: criteria provided, single submitter. Criteria: GeneDx Variant Classification Process June 2021. Collection method: clinical testing. Allele origin: germline. Affected: yes.
Comment: Canonical splice site variant predicted to result in a null allele in a gene for which loss of function is a known mechanism of disease; Has not been previously published as pathogenic or benign to our knowledge